The following is an entry in ClinVar:

NM_004380.3(CREBBP):c.4397A>G (p.Tyr1466Cys)

Gene: CREBBP (CREB binding protein; minus strand). Cytogenetic location: 16p13.3.
Variant type: single nucleotide variant.
Coding change: c.4397A>G on transcript NM_004380.3 (MANE Select); coding-DNA position 4397, A replaced by G.
Protein change: p.Tyr1466Cys; replaces tyrosine 1466 with cysteine.
Molecular consequence: missense variant.
Genome position (GRCh38, 1-based): chr16:3,736,813, T>C on the plus strand (A>G on the coding strand, the complement: CREBBP is on the minus strand). VCF-style: chr16-3736813-T-C. GRCh37 (hg19) VCF-style: chr16-3786814-T-C.
Other names: c.4283A>G, p.Tyr1428Cys (NM_001079846.1); short protein forms Y1428C, Y1466C.
Identifiers: ClinVar variation 3360970 (VCV003360970.1).

ClinVar aggregate classification (germline): Uncertain significance (1 of 4 stars; one submission).

Submission:

GeneDx
Classification: Uncertain significance. Last evaluated: 2023-07-20. Review status: criteria provided, single submitter. Criteria: GeneDx Variant Classification Process June 2021. Collection method: clinical testing. Allele origin: germline. Affected: yes.
Comment: Not observed at significant frequency in large population cohorts (gnomAD); In silico analysis supports that this missense variant has a deleterious effect on protein structure/function; Has not been previously published as pathogenic or benign to our knowledge; This variant is associated with the following publications: (PMID: 12070251)